The following is an entry in ClinVar:

ClinVar aggregate classification (germline): Uncertain significance (1 of 4 stars; one submission).

Conditions:
Primary dilated cardiomyopathy (DCM). Also called: Dilated Cardiomyopathy. Identifiers: Orphanet 217604, MedGen C0007193, MeSH D002311, MONDO:0005021, HP:0001644. Inheritance: Various modes of inheritance.
Hypertrophic cardiomyopathy. Also called: HYPERTROPHIC MYOCARDIOPATHY. Identifiers: Orphanet 217569, MedGen C0007194, MeSH D002312, MONDO:0005045, HP:0001639.

Allele frequency attached by ClinVar (database versions not stated): TOPMed below 0.00001.

Submission:

Labcorp Genetics (formerly Invitae), Labcorp
Classification: Uncertain significance for Hypertrophic cardiomyopathy; Primary dilated cardiomyopathy. Last evaluated: 2022-11-24. Review status: criteria provided, single submitter. Criteria: Invitae Variant Classification Sherloc (09022015). Collection method: clinical testing. Allele origin: germline.
Comment: This sequence change creates a premature translational stop signal (p.Ala225Profs*50) in the PDLIM3 gene. It is expected to result in an absent or disrupted protein product. However, the current clinical and genetic evidence is not sufficient to establish whether loss-of-function variants in PDLIM3 cause disease. This variant is present in population databases (no rsID available, gnomAD 0.0009%). This variant has not been reported in the literature in individuals affected with PDLIM3-related conditions. In summary, the available evidence is currently insufficient to determine the role of this variant in disease. Therefore, it has been classified as a Variant of Uncertain Significance.

NM_014476.6(PDLIM3):c.673del (p.Ala225fs)

Gene: PDLIM3 (PDZ and LIM domain 3; minus strand). Cytogenetic location: 4q35.1.
Variant type: Deletion.
Coding change: c.673del on transcript NM_014476.6 (MANE Select); coding-DNA position 673, one base deleted (G; older notation c.673delG).
Protein change: p.Ala225fs; shifts the reading frame from alanine 225.
Molecular consequence: frameshift variant. On other transcripts: non-coding transcript variant (1).
Genome position (GRCh38, 1-based): chr4:185,506,642, C deleted on the plus strand (G on the coding strand, the reverse complement: PDLIM3 is on the minus strand). VCF-style (leftmost placement, unchanged base first): chr4-185506641-GC-G. GRCh37 (hg19) VCF-style: chr4-186427795-GC-G.
Other names: c.172del, p.Ala58fs (NM_001257963.2); c.529del, p.Ala177fs (NM_001114107.5); c.409del, p.Ala137fs (NM_001257962.2); short protein forms A137fs, A225fs, A177fs, A58fs.
Identifiers: ClinVar variation 2924151 (VCV002924151.3), dbSNP rs1340878938, ClinGen allele CA557043330.